The following is an entry in ClinVar:

NM_001164508.2(NEB):c.23051G>A (p.Arg7684His)

Genes: NEB (nebulin; minus strand), RIF1 (replication timing regulatory factor 1; plus strand). Cytogenetic location: 2q23.3.
Variant type: single nucleotide variant.
Coding change: c.23051G>A on transcript NM_001164508.2 (MANE Select); coding-DNA position 23051, G replaced by A.
Protein change: p.Arg7684His; replaces arginine 7684 with histidine.
Molecular consequence: missense variant.
Genome position (GRCh38, 1-based): chr2:151,514,394, C>T on the plus strand (G>A on the coding strand, the complement: NEB is on the minus strand). VCF-style: chr2-151514394-C-T. GRCh37 (hg19) VCF-style: chr2-152370908-C-T.
Other names: c.23051G>A, p.Arg7684His (NM_001164507.2); c.23156G>A, p.Arg7719His (NM_001271208.2); c.17948G>A, p.Arg5983His (NM_004543.5); short protein forms R7719H, R5983H, R7684H.
Identifiers: ClinVar variation 844750 (VCV000844750.18), dbSNP rs372699411, ClinGen allele CA1906461.

ClinVar aggregate classification (germline): Conflicting classifications of pathogenicity. Review status: criteria provided, conflicting classifications (1 of 4 stars). 7 submissions from 7 submitters: Uncertain significance (5); Likely benign (1). 1 of the submissions does not count toward it. Last evaluated 2025-12-26.

Conditions:
Inborn genetic diseases. Identifiers: MedGen C0950123, MeSH D030342.
Nemaline myopathy 2 (NEM2). Also called: Nemaline myopathy 2, autosomal recessive. Identifiers: MedGen C1850569, MONDO:0009725, OMIM 256030.

Allele frequency attached by ClinVar (database versions not stated): ExAC 0.00004; gnomAD 0.00005 and 0.00006; gnomAD exomes 0.00006 and 0.00012; TOPMed 0.00007; ESP Exome Variant Server 0.00008.
gnomAD v4.1: 180 of 1,613,418 alleles (0.011%); highest among the groups gnomAD compares: Non-Finnish European, 0.014%; no homozygotes.

Submissions (7):

Labcorp Genetics (formerly Invitae), Labcorp
Classification: Likely benign for Nemaline myopathy 2. Last evaluated: 2025-12-26. Review status: criteria provided, single submitter. Criteria: Invitae Variant Classification Sherloc (09022015). Collection method: clinical testing. Allele origin: germline.

Ambry Genetics
Classification: Uncertain significance for Inborn genetic diseases. Last evaluated: 2025-05-21. Review status: criteria provided, single submitter. Criteria: Ambry Variant Classification Scheme 2023. Collection method: clinical testing. Allele origin: germline.

Revvity Omics, Revvity
Classification: Uncertain significance. Last evaluated: 2025-02-13. Review status: criteria provided, single submitter. Criteria: ACMG Guidelines, 2015. Collection method: clinical testing. Allele origin: germline.

Blueprint Genetics
Classification: Uncertain significance. Last evaluated: 2022-12-15. Review status: criteria provided, single submitter. Criteria: ACMG Guidelines, 2015. Collection method: clinical testing. Allele origin: germline.

GeneDx
Classification: Uncertain significance. Last evaluated: 2019-08-14. Review status: criteria provided, single submitter. Criteria: GeneDx Variant Classification Process June 2021. Collection method: clinical testing. Allele origin: germline. Affected: yes.
Comment: Not observed at a significant frequency in large population cohorts (Lek et al., 2016); In silico analysis, which includes protein predictors and evolutionary conservation, supports that this variant does not alter protein structure/function; Has not been previously published as pathogenic or benign to our knowledge

Illumina Laboratory Services, Illumina
Classification: Uncertain significance for Nemaline myopathy 2. Last evaluated: 2017-04-28. Review status: criteria provided, single submitter. Criteria: ICSL Variant Classification Criteria 13 December 2019. Collection method: clinical testing. Allele origin: germline.

Natera, Inc.
Classification: Uncertain significance for Nemaline myopathy type 2. Last evaluated: 2020-03-17. Review status: no assertion criteria provided. Collection method: clinical testing. Allele origin: germline. Not counted in ClinVar's aggregate classification.